The following is an entry in ClinVar:

ClinVar aggregate classification (germline): Uncertain significance. Review status: criteria provided, multiple submitters, no conflicts (2 of 4 stars). 2 submissions from 2 submitters: Uncertain significance (2). Last evaluated 2025-12-03.

Allele frequency attached by ClinVar (database versions not stated): gnomAD exomes 0.00001; ExAC 0.00001.
gnomAD v4.1: 9 of 1,614,206 alleles (0.00056%); highest among the groups gnomAD compares: South Asian, 0.0011%; no homozygotes.

Submissions (2):

Labcorp Genetics (formerly Invitae), Labcorp
Classification: Uncertain significance. Last evaluated: 2025-12-03. Review status: criteria provided, single submitter. Criteria: Invitae Variant Classification Sherloc (09022015). Collection method: clinical testing. Allele origin: germline.
Comment: This sequence change replaces alanine, which is neutral and non-polar, with valine, which is neutral and non-polar, at codon 54 of the CEP89 protein (p.Ala54Val). This variant is present in population databases (rs770574825, gnomAD 0.0009%). This variant has not been reported in the literature in individuals affected with CEP89-related conditions. ClinVar contains an entry for this variant (Variation ID: 3143084). An algorithm developed to predict the effect of missense changes on protein structure and function (PolyPhen-2) suggests that this variant is likely to be disruptive. In summary, the available evidence is currently insufficient to determine the role of this variant in disease. Therefore, it has been classified as a Variant of Uncertain Significance.

Ambry Genetics
Classification: Uncertain significance. Last evaluated: 2023-11-03. Review status: criteria provided, single submitter. Criteria: Ambry Variant Classification Scheme 2023. Collection method: clinical testing. Allele origin: germline.

NM_032816.5(CEP89):c.161C>T (p.Ala54Val)

Gene: CEP89 (centrosomal protein 89; minus strand). Cytogenetic location: 19q13.11.
Variant type: single nucleotide variant.
Coding change: c.161C>T on transcript NM_032816.5 (MANE Select); coding-DNA position 161, C replaced by T.
Protein change: p.Ala54Val; replaces alanine 54 with valine.
Molecular consequence: missense variant.
Genome position (GRCh38, 1-based): chr19:32,960,044, G>A on the plus strand (C>T on the coding strand, the complement: CEP89 is on the minus strand). VCF-style: chr19-32960044-G-A. GRCh37 (hg19) VCF-style: chr19-33450950-G-A.
Other names: short protein forms A54V.
Identifiers: ClinVar variation 3143084 (VCV003143084.2), dbSNP rs770574825, ClinGen allele CA9359888.